The following is an entry in ClinVar:

ClinVar aggregate classification (germline): Conflicting classifications of pathogenicity. Review status: criteria provided, conflicting classifications (1 of 4 stars). 4 submissions from 4 submitters: Pathogenic (2); Uncertain significance (2). Last evaluated 2026-06-03.

Conditions:
Colorectal cancer, hereditary nonpolyposis, type 7. Identifiers: Orphanet 144, MedGen C1858380, MONDO:0013725, OMIM 614385.
Endometrial carcinoma. Also called: Endometrial carcinoma, somatic. Identifiers: MedGen C0476089, MONDO:0002447, OMIM 608089, HP:0012114.
Colorectal cancer. Also called: Colorectal cancer, somatic; Malignant Colorectal Neoplasm. Identifiers: MedGen C0346629, MONDO:0005575, OMIM 114500.

Allele frequency attached by ClinVar (database versions not stated): ExAC 0.00001.
gnomAD v4.1: 1 of 1,613,458 alleles (0.000062%); highest among the groups gnomAD compares: East Asian, 0.0022%; no homozygotes.

Submissions (4):

Ambry Genetics
Classification: Pathogenic. Last evaluated: 2026-06-03. Review status: criteria provided, single submitter. Criteria: Ambry Variant Classification Scheme 2023. Collection method: clinical testing. Allele origin: germline.
Comment: The p.C590* pathogenic mutation (also known as c.1770T>A), located in coding exon 1 of the MLH3 gene, results from a T to A substitution at nucleotide position 1770. This changes the amino acid from a cysteine to a stop codon within coding exon 1. This variant is considered to be rare based on population cohorts in the Genome Aggregation Database (gnomAD). This alteration is expected to result in loss of function by premature protein truncation or nonsense-mediated mRNA decay. As such, this alteration is interpreted as a disease-causing mutation.

Myriad Genetics, Inc.
Classification: Pathogenic for Colorectal cancer, hereditary nonpolyposis, type 7. Last evaluated: 2026-03-20. Review status: criteria provided, single submitter. Criteria: Myriad Autosomal Dominant, Autosomal Recessive and X-Linked Classification Criteria (2023). Collection method: clinical testing. Allele origin: unknown.
Comment: This variant is considered pathogenic. This variant creates a termination codon and is predicted to result in premature protein truncation.

Labcorp Genetics (formerly Invitae), Labcorp
Classification: Uncertain significance for Colorectal cancer, hereditary nonpolyposis, type 7. Last evaluated: 2022-05-14. Review status: criteria provided, single submitter. Criteria: Invitae Variant Classification Sherloc (09022015). Collection method: clinical testing. Allele origin: germline.
Comment: In summary, the available evidence is currently insufficient to determine the role of this variant in disease. Therefore, it has been classified as a Variant of Uncertain Significance. ClinVar contains an entry for this variant (Variation ID: 665383). This variant has not been reported in the literature in individuals affected with MLH3-related conditions. This variant is present in population databases (rs769773711, gnomAD 0.006%). This sequence change creates a premature translational stop signal (p.Cys590*) in the MLH3 gene. It is expected to result in an absent or disrupted protein product. However, the current clinical and genetic evidence is not sufficient to establish whether loss-of-function variants in MLH3 cause disease.

Department of Pathology and Laboratory Medicine, Sinai Health System
Classification: Uncertain significance for Colorectal cancer; Endometrial carcinoma; Colorectal cancer, hereditary nonpolyposis, type 7. Last evaluated: 2021-12-20. Review status: criteria provided, single submitter. Criteria: ACMG Guidelines, 2015. Collection method: clinical testing. Allele origin: germline. Affected: yes.

NM_001040108.2(MLH3):c.1770T>A (p.Cys590Ter)

Gene: MLH3 (mutL homolog 3; minus strand). Cytogenetic location: 14q24.3.
Variant type: single nucleotide variant.
Coding change: c.1770T>A on transcript NM_001040108.2 (MANE Select); coding-DNA position 1770, T replaced by A.
Protein change: p.Cys590Ter; replaces cysteine 590 with a stop codon.
Molecular consequence: nonsense.
Genome position (GRCh38, 1-based): chr14:75,047,886, A>T on the plus strand (T>A on the coding strand, the complement: MLH3 is on the minus strand). VCF-style: chr14-75047886-A-T. GRCh37 (hg19) VCF-style: chr14-75514589-A-T.
Other names: c.1770T>A, p.Cys590Ter (NM_014381.3); short protein forms C590*.
Identifiers: ClinVar variation 665383 (VCV000665383.11), dbSNP rs769773711, ClinGen allele CA7275819.